The following is an entry in ClinVar:

NM_000553.6(WRN):c.2229_2230del (p.Gly744fs)

Gene: WRN (WRN RecQ like helicase; plus strand). Cytogenetic location: 8p12.
Variant type: Deletion.
Coding change: c.2229_2230del on transcript NM_000553.6 (MANE Select); coding-DNA positions 2229 to 2230, 2 bases deleted (AG; older notation c.2229_2230delAG).
Protein change: p.Gly744fs; shifts the reading frame from glycine 744.
Molecular consequence: frameshift variant.
Genome position (GRCh38, 1-based): chr8:31,111,755-31,111,756, AG deleted. VCF-style (leftmost placement, unchanged base first): chr8-31111754-CAG-C. GRCh37 (hg19) VCF-style: chr8-30969270-CAG-C.
Other names: short protein forms G744fs.
Identifiers: ClinVar variation 2145827 (VCV002145827.5), dbSNP rs1461411104, ClinGen allele CA581428620.

ClinVar aggregate classification (germline): Pathogenic. Review status: criteria provided, multiple submitters, no conflicts (2 of 4 stars). 2 submissions from 2 submitters: Pathogenic (2). Last evaluated 2023-06-13.

Conditions:
Werner syndrome (WRN). Identifiers: Orphanet 902, MedGen C0043119, MONDO:0010196, OMIM 277700.

Allele frequency attached by ClinVar (database versions not stated): gnomAD exomes below 0.00001.

Submissions (2):

Baylor Genetics
Classification: Pathogenic for Werner syndrome. Last evaluated: 2023-06-13. Review status: criteria provided, single submitter. Criteria: ACMG Guidelines, 2015. Collection method: clinical testing. Allele origin: unknown.

Labcorp Genetics (formerly Invitae), Labcorp
Classification: Pathogenic for Werner syndrome. Last evaluated: 2023-03-31. Review status: criteria provided, single submitter. Criteria: Invitae Variant Classification Sherloc (09022015). Collection method: clinical testing. Allele origin: germline.
Comment: For these reasons, this variant has been classified as Pathogenic. ClinVar contains an entry for this variant (Variation ID: 2145827). This variant has not been reported in the literature in individuals affected with WRN-related conditions. This variant is present in population databases (no rsID available, gnomAD 0.0009%). This sequence change creates a premature translational stop signal (p.Gly744Glufs*20) in the WRN gene. It is expected to result in an absent or disrupted protein product. Loss-of-function variants in WRN are known to be pathogenic (PMID: 16673358).

Literature cited by the submitters: PubMed 16673358 (cited by Labcorp Genetics (formerly Invitae), Labcorp).